The following is an entry in ClinVar:

NM_002691.4(POLD1):c.777C>T (p.Asp259=)

Gene: POLD1 (DNA polymerase delta 1, catalytic subunit; plus strand). Cytogenetic location: 19q13.33.
Variant type: single nucleotide variant.
Coding change: c.777C>T on transcript NM_002691.4 (MANE Select); coding-DNA position 777, C replaced by T.
Protein change: p.Asp259=; no amino-acid change (aspartic acid 259 retained).
Molecular consequence: synonymous variant. On other transcripts: non-coding transcript variant (1).
Genome position (GRCh38, 1-based): chr19:50,402,472, C>T. VCF-style: chr19-50402472-C-T. GRCh37 (hg19) VCF-style: chr19-50905729-C-T.
Other names: c.777C>T, p.Asp259= (NM_001256849.1, NM_001308632.1).
Identifiers: ClinVar variation 511306 (VCV000511306.13), dbSNP rs1158003090, ClinGen allele CA508304485.

ClinVar aggregate classification (germline): Likely benign. Review status: criteria provided, multiple submitters, no conflicts (2 of 4 stars). 3 submissions from 3 submitters: Likely benign (3). Last evaluated 2022-01-19.

Conditions:
Hereditary cancer-predisposing syndrome. Also called: Tumor predisposition; Hereditary Cancer Syndrome; Hereditary neoplastic syndrome; Neoplastic Syndromes, Hereditary. Identifiers: Orphanet 140162, MedGen C0027672, MeSH D009386, MONDO:0015356.
POLD1-related polyposis and colorectal cancer syndrome (CRCS10). Also called: Colorectal cancer 10; COLORECTAL CANCER, SUSCEPTIBILITY TO, ON CHROMOSOME 19q; Colorectal cancer, susceptibility to, 10. Identifiers: Orphanet 220460, MedGen C2675481, MONDO:0012953, OMIM 612591.

Submissions (3):

Labcorp Genetics (formerly Invitae), Labcorp
Classification: Likely benign for POLD1-related polyposis and colorectal cancer syndrome. Last evaluated: 2022-01-19. Review status: criteria provided, single submitter. Criteria: Invitae Variant Classification Sherloc (09022015). Collection method: clinical testing. Allele origin: germline.

Ambry Genetics
Classification: Likely benign for Hereditary cancer-predisposing syndrome. Last evaluated: 2020-03-29. Review status: criteria provided, single submitter. Criteria: Ambry Variant Classification Scheme 2023. Collection method: clinical testing. Allele origin: germline.

GeneDx
Classification: Likely benign. Last evaluated: 2017-08-04. Review status: criteria provided, single submitter. Criteria: GeneDx Variant Classification (06012015). Collection method: clinical testing. Allele origin: germline. Affected: yes.
Comment: This variant is considered likely benign or benign based on one or more of the following criteria: it is a conservative change, it occurs at a poorly conserved position in the protein, it is predicted to be benign by multiple in silico algorithms, and/or has population frequency not consistent with disease.